The following is an entry in ClinVar:

ClinVar aggregate classification (germline): Pathogenic/Likely pathogenic. Review status: criteria provided, multiple submitters, no conflicts (2 of 4 stars). 2 submissions from 2 submitters: Pathogenic (1); Likely pathogenic (1). Last evaluated 2025-03-06.

Conditions:
Smith-Lemli-Opitz syndrome (SLOS). Also called: LETHAL ACRODYSGENITAL SYNDROME; POLYDACTYLY, SEX REVERSAL, RENAL HYPOPLASIA, AND UNILOBAR LUNG; RSH SYNDROME; RUTLEDGE LETHAL MULTIPLE CONGENITAL ANOMALY SYNDROME; 7-Dehydrocholesterol reductase deficiency. Identifiers: Orphanet 818, MedGen C0175694, MONDO:0010035, OMIM 270400.

Submissions (2):

Natera, Inc.
Classification: Likely pathogenic for Smith-Lemli-Opitz syndrome. Last evaluated: 2025-03-06. Review status: criteria provided, single submitter. Criteria: Natera Variant Classification Schema (03/2026). Collection method: clinical testing. Allele origin: germline.
Comment: The c.369del variant in DHCR7 is a frameshift variant predicted to shift the reading frame beginning at codon 124 and leads to a stop codon 3 codons downstream. This variant is expected to result in nonsense mediated decay, truncation, or a dysfunctional protein product. This variant is rare in the general population with a frequency below the threshold expected for the associated phenotype(s). Given the available evidence, this variant is classified as Likely Pathogenic.

Myriad Genetics, Inc.
Classification: Pathogenic for Smith-Lemli-Opitz syndrome. Last evaluated: 2024-01-08. Review status: criteria provided, single submitter. Criteria: Myriad Autosomal Dominant, Autosomal Recessive and X-Linked Classification Criteria (2023). Collection method: clinical testing. Allele origin: unknown.
Comment: NM_001360.2(DHCR7):c.369delC(G124Afs*3) is expected to be pathogenic in the context of Smith-Lemli-Opitz syndrome. This variant is predicted to lead to an abnormal or absent protein product due to the creation of a premature termination codon in DHCR7, a gene where loss-of-function variants are known to be pathogenic. Please note: this variant was assessed in the context of healthy population screening.

NM_001360.3(DHCR7):c.369del (p.Gly124fs)

Gene: DHCR7 (7-dehydrocholesterol reductase; minus strand). Cytogenetic location: 11q13.4.
Variant type: Deletion.
Coding change: c.369del on transcript NM_001360.3 (MANE Select); coding-DNA position 369, one base deleted (C; older notation c.369delC).
Protein change: p.Gly124fs; shifts the reading frame from glycine 124.
Molecular consequence: frameshift variant.
Genome position (GRCh38, 1-based): chr11:71,442,306, G deleted on the plus strand (C on the coding strand, the reverse complement: DHCR7 is on the minus strand); the first of 3 consecutive G bases (chr11:71,442,306-71,442,308); deleting any one gives the same sequence. VCF-style (leftmost placement, unchanged base first): chr11-71442305-CG-C. GRCh37 (hg19) VCF-style: chr11-71153351-CG-C.
Other names: c.369del, p.Gly124fs (NM_001163817.2, NM_001425107.1, NM_001425109.1 and 7 more transcripts); c.367delC, p.Gly124Alafs (NM_001360.2); c.405del, p.Gly136fs (NM_001425108.1); c.309del, p.Gly104fs (NM_001425113.1); c.273del, p.Gly92fs (NM_001425114.1, NM_001425116.1); c.195del, p.Gly66fs (NM_001425117.1); short protein forms G104fs, G124fs, G136fs, G66fs, G92fs.
Identifiers: ClinVar variation 4065858 (VCV004065858.3).